The following is an entry in ClinVar:

ClinVar aggregate classification (germline): Likely pathogenic (1 of 4 stars; one submission).

Conditions:
MNS1-related disorder. Also called: MNS1-related condition.

Submission:

PreventionGenetics, part of Exact Sciences
Classification: Likely pathogenic for MNS1-related condition. Last evaluated: 2026-09-23. Review status: criteria provided, single submitter. Criteria: ACMG Guidelines, 2015. Collection method: clinical testing. Allele origin: germline.
Comment: The MNS1 c.605delA variant is predicted to result in a frameshift and premature protein termination (p.Lys202Serfs*9). To our knowledge, this variant has not been reported in the literature. This variant is reported in 0.14% of alleles in individuals of European (Finnish) descent in gnomAD; however, the quality of this data is questionable and should be treated with caution. Frameshift variants in MNS1 are expected to be pathogenic. This variant is interpreted as likely pathogenic.

NM_018365.4(MNS1):c.605del (p.Lys202fs)

Genes: MNS1 (meiosis specific nuclear structural 1; minus strand), TEX9 (testis expressed 9; plus strand). Cytogenetic location: 15q21.3.
Variant type: Deletion.
Coding change: c.605del on transcript NM_018365.4 (MANE Select); coding-DNA position 605, one base deleted (A; older notation c.605delA).
Protein change: p.Lys202fs; shifts the reading frame from lysine 202.
Molecular consequence: frameshift variant. On other transcripts: intron variant (2).
Genome position (GRCh38, 1-based): chr15:56,444,525, T deleted on the plus strand (A on the coding strand, the reverse complement: MNS1 is on the minus strand); the first of 10 consecutive T bases (chr15:56,444,525-56,444,534); deleting any one gives the same sequence. VCF-style (leftmost placement, unchanged base first): chr15-56444524-CT-C. GRCh37 (hg19) VCF-style: chr15-56736722-CT-C.
Other names: c.*30-1137del (NM_001286449.2, NM_198524.3); short protein forms K202fs.
Identifiers: ClinVar variation 4980980 (VCV004980980.1).